The following is an entry in ClinVar:

NM_000400.4(ERCC2):c.2114A>T (p.Asn705Ile)

Gene: ERCC2 (ERCC excision repair 2, TFIIH core complex helicase subunit; minus strand). Cytogenetic location: 19q13.32.
Variant type: single nucleotide variant.
Coding change: c.2114A>T on transcript NM_000400.4 (MANE Select); coding-DNA position 2114, A replaced by T.
Protein change: p.Asn705Ile; replaces asparagine 705 with isoleucine.
Molecular consequence: missense variant.
Genome position (GRCh38, 1-based): chr19:45,352,285, T>A on the plus strand (A>T on the coding strand, the complement: ERCC2 is on the minus strand). VCF-style: chr19-45352285-T-A. GRCh37 (hg19) VCF-style: chr19-45855543-T-A.
Other names: short protein forms N705I.
Identifiers: ClinVar variation 1443536 (VCV001443536.6), dbSNP rs140296400, ClinGen allele CA9512884.

ClinVar aggregate classification (germline): Uncertain significance (1 of 4 stars; one submission).

gnomAD v4.1: 3 of 1,614,010 alleles (0.00019%); highest among the groups gnomAD compares: Non-Finnish European, 0.00025%; no homozygotes.

Submission:

Labcorp Genetics (formerly Invitae), Labcorp
Classification: Uncertain significance. Last evaluated: 2021-08-11. Review status: criteria provided, single submitter. Criteria: Invitae Variant Classification Sherloc (09022015). Collection method: clinical testing. Allele origin: germline.
Comment: This sequence change replaces asparagine with isoleucine at codon 705 of the ERCC2 protein (p.Asn705Ile). The asparagine residue is weakly conserved and there is a large physicochemical difference between asparagine and isoleucine. This variant is present in population databases (rs140296400, ExAC 0.003%). This variant has not been reported in the literature in individuals affected with ERCC2-related conditions. Algorithms developed to predict the effect of missense changes on protein structure and function are either unavailable or do not agree on the potential impact of this missense change (SIFT: "Deleterious"; PolyPhen-2: "Benign"; Align-GVGD: "Class C0"). In summary, the available evidence is currently insufficient to determine the role of this variant in disease. Therefore, it has been classified as a Variant of Uncertain Significance.